The following is an entry in ClinVar:

NM_001042492.3(NF1):c.3000T>C (p.Arg1000=)

Gene: NF1 (neurofibromin 1; plus strand). Cytogenetic location: 17q11.2.
Variant type: single nucleotide variant.
Coding change: c.3000T>C on transcript NM_001042492.3 (MANE Select); coding-DNA position 3000, T replaced by C.
Protein change: p.Arg1000=; no amino-acid change (arginine 1000 retained).
Molecular consequence: synonymous variant.
Genome position (GRCh38, 1-based): chr17:31,230,269, T>C. VCF-style: chr17-31230269-T-C. GRCh37 (hg19) VCF-style: chr17-29557287-T-C.
Other names: c.3000T>C, p.Arg1000= (NM_000267.4).
Identifiers: ClinVar variation 219976 (VCV000219976.14), dbSNP rs764332485, ClinGen allele CA350704.

ClinVar aggregate classification (germline): Benign/Likely benign. Review status: criteria provided, multiple submitters, no conflicts (2 of 4 stars). 4 submissions from 4 submitters: Benign (1); Likely benign (3). Last evaluated 2026-05-18.

Conditions:
Hereditary cancer-predisposing syndrome. Also called: Tumor predisposition; Hereditary neoplastic syndrome; Neoplastic Syndromes, Hereditary; Hereditary Cancer Syndrome. Identifiers: Orphanet 140162, MedGen C0027672, MeSH D009386, MONDO:0015356.
Neurofibromatosis, type 1 (NF1). Also called: Neurofibromatosis, type I; NEUROFIBROMATOSIS, TYPE I, SOMATIC; VON RECKLINGHAUSEN DISEASE; Peripheral type neurofibromatosis. Identifiers: Orphanet 636, MedGen C0027831, MONDO:0018975, OMIM 162200. Disease mechanism: loss of function.

Allele frequency attached by ClinVar (database versions not stated): gnomAD exomes 0.00001 and 0.00002; TOPMed 0.00001; ExAC 0.00001; gnomAD 0.00001.
gnomAD v4.1: 36 of 1,613,318 alleles (0.0022%); highest among the groups gnomAD compares: Non-Finnish European, 0.0031%; no homozygotes.

Submissions (4):

Myriad Genetics, Inc.
Classification: Benign for Neurofibromatosis, type 1. Last evaluated: 2026-05-18. Review status: criteria provided, single submitter. Criteria: Myriad Autosomal Dominant, Autosomal Recessive and X-Linked Classification Criteria (2023). Collection method: clinical testing. Allele origin: unknown.
Comment: This variant is considered benign. This variant is a silent/synonymous amino acid change and it is not expected to impact splicing.

Labcorp Genetics (formerly Invitae), Labcorp
Classification: Likely benign for Neurofibromatosis, type 1. Last evaluated: 2026-01-18. Review status: criteria provided, single submitter. Criteria: Invitae Variant Classification Sherloc (09022015). Collection method: clinical testing. Allele origin: germline.

Genome-Nilou Lab
Classification: Likely benign for Neurofibromatosis, type 1. Last evaluated: 2022-03-15. Review status: criteria provided, single submitter. Criteria: ACMG Guidelines, 2015. Collection method: clinical testing. Allele origin: germline. Affected: no.

Ambry Genetics
Classification: Likely benign for Hereditary cancer-predisposing syndrome. Last evaluated: 2015-07-02. Review status: criteria provided, single submitter. Criteria: Ambry Autosomal Dominant and X-Linked criteria (10/2015). Collection method: clinical testing. Allele origin: germline. Observed: 1 variant allele.
Comment: Synonymous alterations with insufficient evidence to classify as benign